The following is an entry in ClinVar:

ClinVar aggregate classification (germline): Pathogenic (1 of 4 stars; one submission).

Submission:

Labcorp Genetics (formerly Invitae), Labcorp
Classification: Pathogenic. Last evaluated: 2024-10-21. Review status: criteria provided, single submitter. Criteria: Invitae Variant Classification Sherloc (09022015). Collection method: clinical testing. Allele origin: germline.
Comment: This sequence change creates a premature translational stop signal (p.Lys1126Argfs*27) in the TBCD gene. It is expected to result in an absent or disrupted protein product. Loss-of-function variants in TBCD are known to be pathogenic (PMID: 27666370, 27666374). The frequency data for this variant in the population databases is considered unreliable, as metrics indicate poor data quality at this position in the gnomAD database. This variant has not been reported in the literature in individuals affected with TBCD-related conditions. For these reasons, this variant has been classified as Pathogenic.

Literature cited by the submitters: PubMed 27666370; PubMed 27666374.

NM_005993.5(TBCD):c.3375del (p.Lys1126fs)

Gene: TBCD (tubulin folding cofactor D). Cytogenetic location: 17q25.3.
Variant type: Deletion.
Coding change: c.3375del on transcript NM_005993.5 (MANE Select); coding-DNA position 3375, one base deleted.
Protein change: p.Lys1126fs; shifts the reading frame from lysine 1126.
Molecular consequence: frameshift variant.
Genome position: GRCh38 VCF-style: chr17-82939370-CG-C. GRCh37 (hg19) VCF-style: chr17-80897246-CG-C.
Other names: c.3324del, p.Lys1109fs (NM_001411101.1); c.3294del, p.Lys1099fs (NM_001411102.1); short protein forms K1099fs, K1109fs, K1126fs.
Identifiers: ClinVar variation 2837921 (VCV002837921.3), dbSNP rs769109745, ClinGen allele CA8863616.